The following is an entry in ClinVar:

NM_173660.5(DOK7):c.1289C>G (p.Ala430Gly)

Gene: DOK7 (docking protein 7; plus strand). Cytogenetic location: 4p16.3.
Variant type: single nucleotide variant.
Coding change: c.1289C>G on transcript NM_173660.5 (MANE Select); coding-DNA position 1289, C replaced by G.
Protein change: p.Ala430Gly; replaces alanine 430 with glycine.
Molecular consequence: missense variant. On other transcripts: 3 prime UTR variant (1).
Genome position (GRCh38, 1-based): chr4:3,493,275, C>G. VCF-style: chr4-3493275-C-G. GRCh37 (hg19) VCF-style: chr4-3495002-C-G.
Other names: c.*510C>G (NM_001164673.2); c.359C>G, p.Ala120Gly (NM_001256896.2); c.1289C>G, p.Ala430Gly (NM_001301071.2); c.857C>G, p.Ala286Gly (NM_001363811.2); short protein forms A120G, A286G, A430G.
Identifiers: ClinVar variation 1915893 (VCV001915893.5), dbSNP rs745414274, ClinGen allele CA356117704.

ClinVar aggregate classification (germline): Uncertain significance (1 of 4 stars; one submission).

Conditions:
Fetal akinesia deformation sequence 1 (FADS1). Also called: Fetal akinesia sequence; Pena-Shokeir syndrome type I. Identifiers: Orphanet 994, MedGen C1276035, MONDO:0100101, OMIM 208150, HP:0001989.
Congenital myasthenic syndrome 10. Also called: Myasthenia, limb-girdle, familial. Identifiers: Orphanet 590, MedGen C1850792, MONDO:0009690, OMIM 254300.

gnomAD v4.1: 2 of 1,610,692 alleles (0.00012%); highest among the groups gnomAD compares: Non-Finnish European, 0.00017%; no homozygotes.

Submission:

Labcorp Genetics (formerly Invitae), Labcorp
Classification: Uncertain significance for Congenital myasthenic syndrome 10; Fetal akinesia deformation sequence 1. Last evaluated: 2024-02-24. Review status: criteria provided, single submitter. Criteria: Invitae Variant Classification Sherloc (09022015). Collection method: clinical testing. Allele origin: germline.
Comment: This sequence change replaces alanine, which is neutral and non-polar, with glycine, which is neutral and non-polar, at codon 430 of the DOK7 protein (p.Ala430Gly). This variant is not present in population databases (gnomAD no frequency). This variant has not been reported in the literature in individuals affected with DOK7-related conditions. ClinVar contains an entry for this variant (Variation ID: 1915893). Algorithms developed to predict the effect of missense changes on protein structure and function output the following: SIFT: "Not Available"; PolyPhen-2: "Benign"; Align-GVGD: "Not Available". The glycine amino acid residue is found in multiple mammalian species, which suggests that this missense change does not adversely affect protein function. In summary, the available evidence is currently insufficient to determine the role of this variant in disease. Therefore, it has been classified as a Variant of Uncertain Significance.